The following is an entry in ClinVar:

ClinVar aggregate classification (germline): Benign (0 of 4 stars; one submission).

Conditions:
FMN1-related disorder. Also called: FMN1-related condition.

Allele frequency attached by ClinVar (database versions not stated): gnomAD exomes 0.00047; ExAC 0.00100; ESP Exome Variant Server 0.00178; gnomAD 0.00228; 1000 Genomes Project 30x 0.00234; TOPMed 0.00283; 1000 Genomes Project 0.00300.
gnomAD v4.1: 1,123 of 1,599,592 alleles (0.07%); highest among the groups gnomAD compares: African/African-American, 0.7%; 4 homozygotes.

Submission:

PreventionGenetics, part of Exact Sciences
Classification: Benign for FMN1-related condition. Last evaluated: 2019-10-16. Review status: no assertion criteria provided. Collection method: clinical testing. Allele origin: germline.
Comment: This variant is classified as benign based on ACMG/AMP sequence variant interpretation guidelines (Richards et al. 2015 PMID: 25741868, with internal and published modifications).

NM_001277313.2(FMN1):c.2044-2817C>T

Gene: FMN1 (formin 1; minus strand). Cytogenetic location: 15q13.3.
Variant type: single nucleotide variant.
Coding change: c.2044-2817C>T on transcript NM_001277313.2 (MANE Select); 2817 bases into the intron before coding-DNA position 2044, C replaced by T.
Molecular consequence: intron variant. On other transcripts: 5 prime UTR variant (1).
Genome position (GRCh38, 1-based): chr15:33,067,891, G>A on the plus strand (C>T on the coding strand, the complement: FMN1 is on the minus strand). VCF-style: chr15-33067891-G-A. GRCh37 (hg19) VCF-style: chr15-33360092-G-A.
Other names: c.-7C>T (NM_001103184.4).
Identifiers: ClinVar variation 3056580 (VCV003056580.2), dbSNP rs112137926, ClinGen allele CA7457463.
Genomic context (GRCh38, chr15:33,067,891, plus strand): 5'-TTTTGCTGGTTCTGACACATCACTGCCATCCAGAGAATTATCAACGTTCTCCATGTCTCA[G>A]TAATGCCCTTGGTGGAAGTTCTGACTTGTGTTACCTTCTCCTGCGCTCTCAGTTTATCCA-3'